The following is an entry in ClinVar:

NM_018206.6(VPS35):c.100C>T (p.Leu34=)

Gene: VPS35 (VPS35 retromer complex component; minus strand). Cytogenetic location: 16q11.2.
Variant type: single nucleotide variant.
Coding change: c.100C>T on transcript NM_018206.6 (MANE Select); coding-DNA position 100, C replaced by T.
Protein change: p.Leu34=; no amino-acid change (leucine 34 retained).
Molecular consequence: synonymous variant.
Genome position (GRCh38, 1-based): chr16:46,683,510, G>A on the plus strand (C>T on the coding strand, the complement: VPS35 is on the minus strand). VCF-style: chr16-46683510-G-A. GRCh37 (hg19) VCF-style: chr16-46717422-G-A.
Other names: p.Leu34=.
Identifiers: ClinVar variation 2723926 (VCV002723926.4), dbSNP rs1349971899, ClinGen allele CA494974767.
Genomic context (GRCh38, chr16:46,683,510, plus strand): 5'-ACATGCTTCCTTAGGAACACACGAACTGCAACTGTGCCTCCCACATCTCCATTCTTACCA[G>A]GCATCTCTTCATTTGGAATGACTGGACCTTCACAGCCTGTATGGCTTCATCCAAGAGCTT-3'
Protein context (NP_060676.2, residues 24-44): KVQSFQMKRC[Leu34=]DKNKLMDALK

ClinVar aggregate classification (germline): Likely benign. Review status: criteria provided, multiple submitters, no conflicts (2 of 4 stars). 2 submissions from 2 submitters: Likely benign (2). Last evaluated 2025-10-20.

Conditions:
Parkinson disease 17 (PARK17). Also called: VPS35-Related Parkinson Disease. Identifiers: Orphanet 411602, MedGen C3280133, MONDO:0013625, OMIM 614203.

Allele frequency attached by ClinVar (database versions not stated): gnomAD exomes 0.00001; TOPMed 0.00001.
gnomAD v4.1: 3 of 1,613,222 alleles (0.00019%); highest among the groups gnomAD compares: Non-Finnish European, 0.00025%; no homozygotes.

Submissions (2):

Mayo Clinic Laboratories, Mayo Clinic
Classification: Likely benign. Last evaluated: 2025-10-20. Review status: criteria provided, single submitter. Criteria: ACMG Guidelines, 2015. Collection method: clinical testing. Allele origin: germline. Observed: 1 variant allele.
Comment: BP4, BP7

Labcorp Genetics (formerly Invitae), Labcorp
Classification: Likely benign for Parkinson disease 17. Last evaluated: 2023-11-14. Review status: criteria provided, single submitter. Criteria: Invitae Variant Classification Sherloc (09022015). Collection method: clinical testing. Allele origin: germline.